The following is an entry in ClinVar:

NM_003482.4(KMT2D):c.3856G>C (p.Gly1286Arg)

Genes: KMT2D (lysine methyltransferase 2D; minus strand), LOC126861520 (CDK7 strongly-dependent group 2 enhancer GRCh37_chr12:49442744-49443943; plus strand). Cytogenetic location: 12q13.12.
Variant type: single nucleotide variant.
Coding change: c.3856G>C on transcript NM_003482.4 (MANE Select); coding-DNA position 3856, G replaced by C.
Protein change: p.Gly1286Arg; replaces glycine 1286 with arginine.
Molecular consequence: missense variant.
Genome position (GRCh38, 1-based): chr12:49,049,732, C>G on the plus strand (G>C on the coding strand, the complement: KMT2D is on the minus strand). VCF-style: chr12-49049732-C-G. GRCh37 (hg19) VCF-style: chr12-49443515-C-G.
Other names: short protein forms G1286R.
Identifiers: ClinVar variation 2037374 (VCV002037374.6), dbSNP rs201671182, ClinGen allele CA6547975.

ClinVar aggregate classification (germline): Benign. Review status: criteria provided, single submitter (1 of 4 stars). 2 submissions from 2 submitters: Benign (1). 1 of the submissions does not count toward it. Last evaluated 2025-08-03.

Conditions:
KMT2D-related disorder. Also called: KMT2D-Related Disorders.
Kabuki syndrome. Also called: NIIKAWA-KUROKI SYNDROME; Kabuki make-up syndrome. Identifiers: Orphanet 2322, MedGen C0796004, MONDO:0016512.

Allele frequency attached by ClinVar (database versions not stated): gnomAD 0.00001; ExAC 0.00002; 1000 Genomes Project 0.00020; 1000 Genomes Project 30x 0.00031.
gnomAD v4.1: 7 of 1,605,606 alleles (0.00044%); highest among the groups gnomAD compares: Admixed American, 0.01%; no homozygotes.

Submissions (2):

Labcorp Genetics (formerly Invitae), Labcorp
Classification: Benign for Kabuki syndrome. Last evaluated: 2025-08-03. Review status: criteria provided, single submitter. Criteria: Invitae Variant Classification Sherloc (09022015). Collection method: clinical testing. Allele origin: germline.

PreventionGenetics, part of Exact Sciences
Classification: Uncertain significance for KMT2D-related condition. Last evaluated: 2024-02-06. Review status: no assertion criteria provided. Collection method: clinical testing. Allele origin: germline. Not counted in ClinVar's aggregate classification.
Comment: The KMT2D c.3856G>C variant is predicted to result in the amino acid substitution p.Gly1286Arg. To our knowledge, this variant has not been reported in the literature. This variant is reported in 0.015% of alleles in individuals of Latino descent in gnomAD. At this time, the clinical significance of this variant is uncertain due to the absence of conclusive functional and genetic evidence.